The following is an entry in ClinVar:

ClinVar aggregate classification (germline): Pathogenic/Likely pathogenic. Review status: criteria provided, multiple submitters, no conflicts (2 of 4 stars). 3 submissions from 3 submitters: Pathogenic (2); Likely pathogenic (1). Last evaluated 2024-12-01.

Conditions:
Pyridoxine-dependent epilepsy (EPEO4). Also called: Pyridoxine-Dependent Seizures; PYRIDOXINE DEPENDENCY WITH SEIZURES; EPILEPSY, EARLY-ONSET, 4, VITAMIN B6-DEPENDENT; Pyridoxine-Dependent Epilepsy - ALDH7A1. Identifiers: Orphanet 3006, MedGen C1849508, MONDO:0009945, OMIM 266100. Disease mechanism: loss of function.

Allele frequency attached by ClinVar (database versions not stated): gnomAD exomes below 0.00001; TOPMed below 0.00001; gnomAD 0.00001.
gnomAD v4.1: 5 of 1,613,198 alleles (0.00031%); highest among the groups gnomAD compares: Non-Finnish European, 0.00042%; no homozygotes.

Submissions (3):

GeneDx
Classification: Pathogenic. Last evaluated: 2024-12-01. Review status: criteria provided, single submitter. Criteria: GeneDx Variant Classification Process June 2021. Collection method: clinical testing. Allele origin: germline. Affected: yes.
Comment: Canonical splice site variant predicted to result in a null allele in a gene for which loss of function is a known mechanism of disease; Not observed at significant frequency in large population cohorts (gnomAD); This variant is associated with the following publications: (PMID: 31440721, 30043187)

Fulgent Genetics
Classification: Likely pathogenic for Pyridoxine-dependent epilepsy. Last evaluated: 2024-01-26. Review status: criteria provided, single submitter. Criteria: ACMG Guidelines, 2015. Collection method: clinical testing. Allele origin: germline.

Labcorp Genetics (formerly Invitae), Labcorp
Classification: Pathogenic for Pyridoxine-dependent epilepsy. Last evaluated: 2023-11-10. Review status: criteria provided, single submitter. Criteria: Invitae Variant Classification Sherloc (09022015). Collection method: clinical testing. Allele origin: germline.
Comment: This sequence change affects a donor splice site in intron 13 of the ALDH7A1 gene. It is expected to disrupt RNA splicing. Variants that disrupt the donor or acceptor splice site typically lead to a loss of protein function (PMID: 16199547), and loss-of-function variants in ALDH7A1 are known to be pathogenic (PMID: 16491085, 20554659). This variant is not present in population databases (gnomAD no frequency). Disruption of this splice site has been observed in individual(s) with pyridoxine-dependent epilepsy (PMID: 32395249). In at least one individual the data is consistent with being in trans (on the opposite chromosome) from a pathogenic variant. ClinVar contains an entry for this variant (Variation ID: 465322). Algorithms developed to predict the effect of sequence changes on RNA splicing suggest that this variant may disrupt the consensus splice site. For these reasons, this variant has been classified as Pathogenic.

Literature cited by the submitters: PubMed 16199547 (cited by Labcorp Genetics (formerly Invitae), Labcorp); PubMed 16491085 (cited by Labcorp Genetics (formerly Invitae), Labcorp); PubMed 20554659 (cited by Labcorp Genetics (formerly Invitae), Labcorp); PubMed 32395249 (cited by Labcorp Genetics (formerly Invitae), Labcorp).

NM_001182.5(ALDH7A1):c.1200+1G>T

Gene: ALDH7A1 (aldehyde dehydrogenase 7 family member A1; minus strand). Cytogenetic location: 5q23.2.
Variant type: single nucleotide variant.
Coding change: c.1200+1G>T on transcript NM_001182.5 (MANE Select); the canonical splice donor site of the intron after coding-DNA position 1200, G replaced by T.
Molecular consequence: splice donor variant. On other transcripts: intron variant (1).
Genome position (GRCh38, 1-based): chr5:126,554,286, C>A on the plus strand (G>T on the coding strand, the complement: ALDH7A1 is on the minus strand). VCF-style: chr5-126554286-C-A. GRCh37 (hg19) VCF-style: chr5-125889978-C-A.
Other names: c.1009-2149G>T (NM_001202404.2); c.1116+1G>T (NM_001201377.2).
Identifiers: ClinVar variation 465322 (VCV000465322.11), dbSNP rs1217642695, ClinGen allele CA360723732.